The following is an entry in ClinVar:

ClinVar aggregate classification (germline): Uncertain significance. Review status: criteria provided, multiple submitters, no conflicts (2 of 4 stars). 2 submissions from 2 submitters: Uncertain significance (2). Last evaluated 2023-05-18.

Conditions:
Inborn genetic diseases. Identifiers: MedGen C0950123, MeSH D030342.

Allele frequency attached by ClinVar (database versions not stated): gnomAD exomes below 0.00001; ExAC 0.00001.
gnomAD v4.1: 8 of 1,613,900 alleles (0.0005%); highest among the groups gnomAD compares: Non-Finnish European, 0.00068%; no homozygotes.

Submissions (2):

Ambry Genetics
Classification: Uncertain significance for Inborn genetic diseases. Last evaluated: 2023-05-18. Review status: criteria provided, single submitter. Criteria: Ambry Variant Classification Scheme 2023. Collection method: clinical testing. Allele origin: germline.

Labcorp Genetics (formerly Invitae), Labcorp
Classification: Uncertain significance. Last evaluated: 2021-04-09. Review status: criteria provided, single submitter. Criteria: Invitae Variant Classification Sherloc (09022015). Collection method: clinical testing. Allele origin: germline.
Comment: This sequence change replaces glutamic acid with lysine at codon 242 of the P4HB protein (p.Glu242Lys). The glutamic acid residue is highly conserved and there is a small physicochemical difference between glutamic acid and lysine. In summary, the available evidence is currently insufficient to determine the role of this variant in disease. Therefore, it has been classified as a Variant of Uncertain Significance. Algorithms developed to predict the effect of missense changes on protein structure and function (SIFT, PolyPhen-2, Align-GVGD) all suggest that this variant is likely to be tolerated, but these predictions have not been confirmed by published functional studies and their clinical significance is uncertain. This variant has not been reported in the literature in individuals with P4HB-related conditions. This variant is present in population databases (rs758558506, ExAC 0.01%).

NM_000918.4(P4HB):c.724G>A (p.Glu242Lys)

Gene: P4HB (prolyl 4-hydroxylase subunit beta; minus strand). Cytogenetic location: 17q25.3.
Variant type: single nucleotide variant.
Coding change: c.724G>A on transcript NM_000918.4 (MANE Select); coding-DNA position 724, G replaced by A.
Protein change: p.Glu242Lys; replaces glutamic acid 242 with lysine.
Molecular consequence: missense variant.
Genome position (GRCh38, 1-based): chr17:81,847,248, C>T on the plus strand (G>A on the coding strand, the complement: P4HB is on the minus strand). VCF-style: chr17-81847248-C-T. GRCh37 (hg19) VCF-style: chr17-79805124-C-T.
Other names: c.724G>A (NM_000918.3); short protein forms E242K.
Identifiers: ClinVar variation 1465392 (VCV001465392.9), dbSNP rs758558506, ClinGen allele CA8842876.